The following is an entry in ClinVar:

ClinVar aggregate classification (germline): Pathogenic. Review status: criteria provided, single submitter (1 of 4 stars). 2 submissions from 2 submitters: Pathogenic (1). 1 of the submissions does not count toward it. Last evaluated 2024-09-04.

Conditions:
Familial thoracic aortic aneurysm and aortic dissection (TAAD). Also called: Thoracic aortic aneurysms and dissections. Identifiers: Orphanet 91387, MedGen C4707243, MONDO:0019625.
Marfan syndrome (MFS). Also called: Marfan syndrome type 1; Marfan syndrome, classic; Marfan's syndrome; FBN1-Related Marfan Syndrome; MARFAN SYNDROME, TYPE I. Identifiers: Orphanet 284963, Orphanet 558, MedGen C0024796, MONDO:0007947, OMIM 154700.

Submissions (2):

Labcorp Genetics (formerly Invitae), Labcorp
Classification: Pathogenic for Marfan syndrome; Familial thoracic aortic aneurysm and aortic dissection. Last evaluated: 2024-09-04. Review status: criteria provided, single submitter. Criteria: Invitae Variant Classification Sherloc (09022015). Collection method: clinical testing. Allele origin: germline.
Comment: This sequence change replaces cysteine, which is neutral and slightly polar, with arginine, which is basic and polar, at codon 1835 of the FBN1 protein (p.Cys1835Arg). This variant is not present in population databases (gnomAD no frequency). This missense change has been observed in individual(s) with Marfan syndrome (PMID: 24199744). ClinVar contains an entry for this variant (Variation ID: 549283). Invitae Evidence Modeling of protein sequence and biophysical properties (such as structural, functional, and spatial information, amino acid conservation, physicochemical variation, residue mobility, and thermodynamic stability) indicates that this missense variant is expected to disrupt FBN1 protein function with a positive predictive value of 95%. This variant affects a cysteine residue in the EGF-like, TGFBP or hybrid motif domains of FBN1. Cysteine residues are believed to be involved in intramolecular disulfide bridges and have been shown to be important for FBN1 protein structure (PMID: 16905551, 19349279). In addition, missense substitutions affecting cysteine residues within these domains are significantly overrepresented among patients with Marfan syndrome (PMID: 16571647, 17701892). This variant disrupts the p.Cys1835 amino acid residue in FBN1. Other variant(s) that disrupt this residue have been observed in individuals with FBN1-related conditions (PMID: 10647894, 11700157, 11826022; internal data), which suggests that this may be a clinically significant amino acid residue. For these reasons, this variant has been classified as Pathogenic.

Center for Medical Genetics Ghent, University of Ghent
Classification: Likely pathogenic for Marfan syndrome. Last evaluated: 2017-11-07. Review status: no assertion criteria provided. Collection method: clinical testing. Allele origin: germline. Affected: yes. Not counted in ClinVar's aggregate classification.

Literature cited by the submitters: PubMed 24199744 (cited by Labcorp Genetics (formerly Invitae), Labcorp); PubMed 16905551 (cited by Labcorp Genetics (formerly Invitae), Labcorp); PubMed 19349279 (cited by Labcorp Genetics (formerly Invitae), Labcorp); PubMed 16571647 (cited by Labcorp Genetics (formerly Invitae), Labcorp); PubMed 17701892 (cited by Labcorp Genetics (formerly Invitae), Labcorp); PubMed 10647894 (cited by Labcorp Genetics (formerly Invitae), Labcorp); PubMed 11700157 (cited by Labcorp Genetics (formerly Invitae), Labcorp); PubMed 11826022 (cited by Labcorp Genetics (formerly Invitae), Labcorp).

NM_000138.5(FBN1):c.5503T>C (p.Cys1835Arg)

Gene: FBN1 (fibrillin 1; minus strand). Cytogenetic location: 15q21.1.
Variant type: single nucleotide variant.
Coding change: c.5503T>C on transcript NM_000138.5 (MANE Select); coding-DNA position 5503, T replaced by C.
Protein change: p.Cys1835Arg; replaces cysteine 1835 with arginine.
Molecular consequence: missense variant.
Genome position (GRCh38, 1-based): chr15:48,452,604, A>G on the plus strand (T>C on the coding strand, the complement: FBN1 is on the minus strand). VCF-style: chr15-48452604-A-G. GRCh37 (hg19) VCF-style: chr15-48744801-A-G.
Other names: short protein forms C1835R.
Identifiers: ClinVar variation 549283 (VCV000549283.8), dbSNP rs1555396198, ClinGen allele CA392344110.